The following is an entry in ClinVar:

NM_080680.3(COL11A2):c.201G>T (p.Gln67His)

Gene: COL11A2 (collagen type XI alpha 2 chain; minus strand). Cytogenetic location: 6p21.32.
Variant type: single nucleotide variant.
Coding change: c.201G>T on transcript NM_080680.3 (MANE Select); coding-DNA position 201, G replaced by T.
Protein change: p.Gln67His; replaces glutamine 67 with histidine.
Molecular consequence: missense variant. On other transcripts: 5 prime UTR variant (3), non-coding transcript variant (1).
Genome position (GRCh38, 1-based): chr6:33,189,351, C>A on the plus strand (G>T on the coding strand, the complement: COL11A2 is on the minus strand). VCF-style: chr6-33189351-C-A. GRCh37 (hg19) VCF-style: chr6-33157128-C-A.
Other names: c.201G>T, p.Gln67His (NM_001163771.2, NM_001424108.1, NM_080679.3 and 1 more transcripts); c.-646G>T (NM_001424109.1, NM_001424110.1, NM_001424111.1); short protein forms Q67H.
Identifiers: ClinVar variation 2714604 (VCV002714604.3), dbSNP rs1190532953, ClinGen allele CA363613115.

ClinVar aggregate classification (germline): Uncertain significance (1 of 4 stars; one submission).

Allele frequency attached by ClinVar (database versions not stated): gnomAD exomes below 0.00001.
gnomAD v4.1: 3 of 1,613,538 alleles (0.00019%); highest among the groups gnomAD compares: Non-Finnish European, 0.00025%; no homozygotes.

Submission:

Labcorp Genetics (formerly Invitae), Labcorp
Classification: Uncertain significance. Last evaluated: 2023-06-14. Review status: criteria provided, single submitter. Criteria: Invitae Variant Classification Sherloc (09022015). Collection method: clinical testing. Allele origin: germline.
Comment: Advanced modeling of protein sequence and biophysical properties (such as structural, functional, and spatial information, amino acid conservation, physicochemical variation, residue mobility, and thermodynamic stability) performed at Invitae indicates that this missense variant is not expected to disrupt COL11A2 protein function. This variant has not been reported in the literature in individuals affected with COL11A2-related conditions. This variant is present in population databases (no rsID available, gnomAD 0.0009%). This sequence change replaces glutamine, which is neutral and polar, with histidine, which is basic and polar, at codon 67 of the COL11A2 protein (p.Gln67His). In summary, the available evidence is currently insufficient to determine the role of this variant in disease. Therefore, it has been classified as a Variant of Uncertain Significance.